The following is an entry in ClinVar:

ClinVar aggregate classification (germline): Benign/Likely benign. Review status: criteria provided, multiple submitters, no conflicts (2 of 4 stars). 3 submissions from 3 submitters: Benign (1); Likely benign (1). 1 of the submissions does not count toward it. Last evaluated 2019-12-31.

Conditions:
PTPRD-related disorder. Also called: PTPRD-related condition.

Allele frequency attached by ClinVar (database versions not stated): gnomAD exomes 0.00054 and 0.00018; TOPMed 0.00209; ExAC 0.00075; gnomAD 0.00183 and 0.00199; 1000 Genomes Project 30x 0.00234; 1000 Genomes Project 0.00240; ESP Exome Variant Server 0.00231.
gnomAD v4.1: 553 of 1,606,766 alleles (0.034%); highest among the groups gnomAD compares: African/African-American, 0.64%; 3 homozygotes.

Submissions (3):

Labcorp Genetics (formerly Invitae), Labcorp
Classification: Benign. Last evaluated: 2019-12-31. Review status: criteria provided, single submitter. Criteria: Invitae Variant Classification Sherloc (09022015). Collection method: clinical testing. Allele origin: germline.

Breakthrough Genomics
Classification: Likely benign. Review status: criteria provided, single submitter. Criteria: ACMG Guidelines, 2015. Collection method: not provided. Allele origin: germline. Inheritance: Unknown mechanism. Affected: yes.

PreventionGenetics, part of Exact Sciences
Classification: Likely benign for PTPRD-related condition. Last evaluated: 2019-02-20. Review status: no assertion criteria provided. Collection method: clinical testing. Allele origin: germline. Not counted in ClinVar's aggregate classification.
Comment: This variant is classified as likely benign based on ACMG/AMP sequence variant interpretation guidelines (Richards et al. 2015 PMID: 25741868, with internal and published modifications).

NM_002839.4(PTPRD):c.1543+10G>A

Gene: PTPRD (protein tyrosine phosphatase receptor type D; minus strand). Cytogenetic location: 9p24.1.
Variant type: single nucleotide variant.
Coding change: c.1543+10G>A on transcript NM_002839.4 (MANE Select); 10 bases into the intron after coding-DNA position 1543, G replaced by A.
Molecular consequence: intron variant.
Genome position (GRCh38, 1-based): chr9:8,517,838, C>T on the plus strand (G>A on the coding strand, the complement: PTPRD is on the minus strand). VCF-style: chr9-8517838-C-T. GRCh37 (hg19) VCF-style: chr9-8517838-C-T.
Other names: c.1513+10G>A (NM_001171025.2); c.1525+10G>A (NM_001377946.1, NM_130393.3); c.1543+10G>A (NM_001378058.1, NM_001377958.1, NM_130391.4 and 1 more transcripts); c.1534+10G>A (NM_001377947.1, NM_001040712.2).
Identifiers: ClinVar variation 780783 (VCV000780783.7), dbSNP rs113643326, ClinGen allele CA4984516.